The following is an entry in ClinVar:

ClinVar aggregate classification (germline): Pathogenic. Review status: criteria provided, multiple submitters, no conflicts (2 of 4 stars). 4 submissions from 4 submitters: Pathogenic (4). Last evaluated 2024-10-24.

Conditions:
PHEX-related disorder. Also called: PHEX-related condition.
Familial X-linked hypophosphatemic vitamin D refractory rickets (XLHRD). Also called: X-Linked Hypophosphatemia; HYPOPHOSPHATEMIC VITAMIN D-RESISTANT RICKETS; Hypophosphatemic Rickets, X-Linked Dominant; Hypophosphatemia, vitamin D-resistant rickets; Vitamin D-resistant rickets, X-linked. Identifiers: Orphanet 89936, MedGen C0733682, MONDO:0010619, OMIM 307800.

Submissions (4):

Blueprint Genetics
Classification: Pathogenic for PHEX-related disorders. Last evaluated: 2024-10-24. Review status: criteria provided, single submitter. Criteria: ACMG Guidelines, 2015. Collection method: clinical testing. Allele origin: germline. Affected: yes. Observed: 1 variant allele.

Revvity Omics, Revvity
Classification: Pathogenic for Familial X-linked hypophosphatemic vitamin D refractory rickets. Last evaluated: 2024-07-25. Review status: criteria provided, single submitter. Criteria: ACMG Guidelines, 2015. Collection method: clinical testing. Allele origin: germline.

Labcorp Genetics (formerly Invitae), Labcorp
Classification: Pathogenic. Last evaluated: 2023-09-19. Review status: criteria provided, single submitter. Criteria: Invitae Variant Classification Sherloc (09022015). Collection method: clinical testing. Allele origin: germline.
Comment: This sequence change creates a premature translational stop signal (p.Trp368*) in the PHEX gene. It is expected to result in an absent or disrupted protein product. Loss-of-function variants in PHEX are known to be pathogenic (PMID: 9097956, 9106524, 19219621). This variant is not present in population databases (gnomAD no frequency). This premature translational stop signal has been observed in individual(s) with hypophosphatemic rickets (PMID: 14564077). ClinVar contains an entry for this variant (Variation ID: 438559). Algorithms developed to predict the effect of sequence changes on RNA splicing suggest that this variant may disrupt the consensus splice site. For these reasons, this variant has been classified as Pathogenic.

Institute of Human Genetics Munich, TUM University Hospital
Classification: Pathogenic for Familial X-linked hypophosphatemic vitamin D refractory rickets. Last evaluated: 2013-11-06. Review status: criteria provided, single submitter. Criteria: Classification criteria August 2017. Collection method: clinical testing. Allele origin: germline. Inheritance: X-linked inheritance. Affected: yes. Observed: 1 heterozygote.

Literature cited by the submitters: PubMed 9097956 (cited by Labcorp Genetics (formerly Invitae), Labcorp); PubMed 9106524 (cited by Labcorp Genetics (formerly Invitae), Labcorp); PubMed 19219621 (cited by Labcorp Genetics (formerly Invitae), Labcorp); PubMed 14564077 (cited by Labcorp Genetics (formerly Invitae), Labcorp).

NM_000444.6(PHEX):c.1103G>A (p.Trp368Ter)

Gene: PHEX (phosphate regulating endopeptidase X-linked; plus strand). Cytogenetic location: Xp22.11.
Variant type: single nucleotide variant.
Coding change: c.1103G>A on transcript NM_000444.6 (MANE Select); coding-DNA position 1103, G replaced by A.
Protein change: p.Trp368Ter; replaces tryptophan 368 with a stop codon.
Molecular consequence: nonsense.
Genome position (GRCh38, 1-based): chrX:22,111,490, G>A. VCF-style: chrX-22111490-G-A. GRCh37 (hg19) VCF-style: chrX-22129608-G-A.
Other names: c.1103G>A, p.Trp368Ter (NM_001282754.2); short protein forms W368*.
Identifiers: ClinVar variation 438559 (VCV000438559.13), dbSNP rs1556029499, ClinGen allele CA412573124.